The following is an entry in ClinVar:

ClinVar aggregate classification (germline): Benign (1 of 4 stars; one submission).

gnomAD v4.1: 11,118 of 1,614,048 alleles (0.69%); highest among the groups gnomAD compares: Non-Finnish European, 0.84%; 57 homozygotes.

Submissions (41):

CeGaT Center for Human Genetics Tuebingen
Classification: Benign. Last evaluated: 2024-12-01. Review status: criteria provided, single submitter. Criteria: CeGaT Center For Human Genetics Tuebingen Variant Classification Criteria Version 2. Collection method: clinical testing. Allele origin: germline. Affected: yes. Observed: 1 variant allele.
Comment: PHB1: BS1, BS2

Dr. Peter K. Rogan Lab, Western University
No classification provided (evidence only). Condition: Clear cell carcinoma of kidney. Review status: no classification provided. Collection method: in vitro. Allele origin: not applicable. Functional consequence: retained intron. Not counted in ClinVar's aggregate classification.

Dr. Peter K. Rogan Lab, Western University
No classification provided (evidence only). Condition: Clear cell carcinoma of kidney. Review status: no classification provided. Collection method: in vitro. Allele origin: not applicable. Functional consequence: retained intron. Not counted in ClinVar's aggregate classification.

Dr. Peter K. Rogan Lab, Western University
No classification provided (evidence only). Condition: Clear cell carcinoma of kidney. Review status: no classification provided. Collection method: in vitro. Allele origin: not applicable. Functional consequence: retained intron. Not counted in ClinVar's aggregate classification.

Dr. Peter K. Rogan Lab, Western University
No classification provided (evidence only). Condition: Clear cell carcinoma of kidney. Review status: no classification provided. Collection method: in vitro. Allele origin: not applicable. Functional consequence: retained intron. Not counted in ClinVar's aggregate classification.

Dr. Peter K. Rogan Lab, Western University
No classification provided (evidence only). Condition: Clear cell carcinoma of kidney. Review status: no classification provided. Collection method: in vitro. Allele origin: not applicable. Functional consequence: retained intron. Not counted in ClinVar's aggregate classification.

Dr. Peter K. Rogan Lab, Western University
No classification provided (evidence only). Condition: Lung cancer. Review status: no classification provided. Collection method: in vitro. Allele origin: not applicable. Functional consequence: retained intron. Not counted in ClinVar's aggregate classification.

Dr. Peter K. Rogan Lab, Western University
No classification provided (evidence only). Condition: Melanoma. Review status: no classification provided. Collection method: in vitro. Allele origin: not applicable. Functional consequence: retained intron. Not counted in ClinVar's aggregate classification.

Dr. Peter K. Rogan Lab, Western University
No classification provided (evidence only). Condition: Melanoma. Review status: no classification provided. Collection method: in vitro. Allele origin: not applicable. Functional consequence: skipped exon, retained intron. Not counted in ClinVar's aggregate classification.

Dr. Peter K. Rogan Lab, Western University
No classification provided (evidence only). Condition: Melanoma. Review status: no classification provided. Collection method: in vitro. Allele origin: not applicable. Functional consequence: retained intron. Not counted in ClinVar's aggregate classification.

Dr. Peter K. Rogan Lab, Western University
No classification provided (evidence only). Condition: Acute myeloid leukemia. Review status: no classification provided. Collection method: in vitro. Allele origin: not applicable. Functional consequence: retained intron. Not counted in ClinVar's aggregate classification.

Dr. Peter K. Rogan Lab, Western University
No classification provided (evidence only). Condition: Acute myeloid leukemia. Review status: no classification provided. Collection method: in vitro. Allele origin: not applicable. Functional consequence: skipped exon, retained intron. Not counted in ClinVar's aggregate classification.

Dr. Peter K. Rogan Lab, Western University
No classification provided (evidence only). Condition: Acute myeloid leukemia. Review status: no classification provided. Collection method: in vitro. Allele origin: not applicable. Functional consequence: retained intron. Not counted in ClinVar's aggregate classification.

Dr. Peter K. Rogan Lab, Western University
No classification provided (evidence only). Condition: Colon adenocarcinoma. Review status: no classification provided. Collection method: in vitro. Allele origin: not applicable. Functional consequence: skipped exon, retained intron. Not counted in ClinVar's aggregate classification.

Dr. Peter K. Rogan Lab, Western University
No classification provided (evidence only). Condition: Colon adenocarcinoma. Review status: no classification provided. Collection method: in vitro. Allele origin: not applicable. Functional consequence: retained intron. Not counted in ClinVar's aggregate classification.

Dr. Peter K. Rogan Lab, Western University
No classification provided (evidence only). Condition: Colon adenocarcinoma. Review status: no classification provided. Collection method: in vitro. Allele origin: not applicable. Functional consequence: retained intron. Not counted in ClinVar's aggregate classification.

Dr. Peter K. Rogan Lab, Western University
No classification provided (evidence only). Condition: Colon adenocarcinoma. Review status: no classification provided. Collection method: in vitro. Allele origin: not applicable. Functional consequence: retained intron. Not counted in ClinVar's aggregate classification.

Dr. Peter K. Rogan Lab, Western University
No classification provided (evidence only). Condition: Colorectal cancer. Review status: no classification provided. Collection method: in vitro. Allele origin: not applicable. Functional consequence: retained intron. Not counted in ClinVar's aggregate classification.

Dr. Peter K. Rogan Lab, Western University
No classification provided (evidence only). Condition: Thyroid cancer, nonmedullary, 1. Review status: no classification provided. Collection method: in vitro. Allele origin: not applicable. Functional consequence: retained intron. Not counted in ClinVar's aggregate classification.

Dr. Peter K. Rogan Lab, Western University
No classification provided (evidence only). Condition: Thyroid cancer, nonmedullary, 1. Review status: no classification provided. Collection method: in vitro. Allele origin: not applicable. Functional consequence: retained intron. Not counted in ClinVar's aggregate classification.

Dr. Peter K. Rogan Lab, Western University
No classification provided (evidence only). Condition: Thyroid cancer, nonmedullary, 1. Review status: no classification provided. Collection method: in vitro. Allele origin: not applicable. Functional consequence: retained intron. Not counted in ClinVar's aggregate classification.

Dr. Peter K. Rogan Lab, Western University
No classification provided (evidence only). Condition: Thyroid cancer, nonmedullary, 1. Review status: no classification provided. Collection method: in vitro. Allele origin: not applicable. Functional consequence: retained intron. Not counted in ClinVar's aggregate classification.

Dr. Peter K. Rogan Lab, Western University
No classification provided (evidence only). Condition: Uterine corpus endometrial carcinoma. Review status: no classification provided. Collection method: in vitro. Allele origin: not applicable. Functional consequence: retained intron. Not counted in ClinVar's aggregate classification.

Dr. Peter K. Rogan Lab, Western University
No classification provided (evidence only). Condition: Uterine corpus endometrial carcinoma. Review status: no classification provided. Collection method: in vitro. Allele origin: not applicable. Functional consequence: retained intron. Not counted in ClinVar's aggregate classification.

Dr. Peter K. Rogan Lab, Western University
No classification provided (evidence only). Condition: Uterine corpus endometrial carcinoma. Review status: no classification provided. Collection method: in vitro. Allele origin: not applicable. Functional consequence: retained intron. Not counted in ClinVar's aggregate classification.

Dr. Peter K. Rogan Lab, Western University
No classification provided (evidence only). Condition: Uterine corpus endometrial carcinoma. Review status: no classification provided. Collection method: in vitro. Allele origin: not applicable. Functional consequence: retained intron. Not counted in ClinVar's aggregate classification.

Dr. Peter K. Rogan Lab, Western University
No classification provided (evidence only). Condition: Sarcoma. Review status: no classification provided. Collection method: in vitro. Allele origin: not applicable. Functional consequence: retained intron. Not counted in ClinVar's aggregate classification.

Dr. Peter K. Rogan Lab, Western University
No classification provided (evidence only). Condition: Sarcoma. Review status: no classification provided. Collection method: in vitro. Allele origin: not applicable. Functional consequence: retained intron. Not counted in ClinVar's aggregate classification.

Dr. Peter K. Rogan Lab, Western University
No classification provided (evidence only). Condition: Sarcoma. Review status: no classification provided. Collection method: in vitro. Allele origin: not applicable. Functional consequence: retained intron. Not counted in ClinVar's aggregate classification.

Dr. Peter K. Rogan Lab, Western University
No classification provided (evidence only). Condition: Nonpapillary renal cell carcinoma. Review status: no classification provided. Collection method: in vitro. Allele origin: not applicable. Functional consequence: retained intron. Not counted in ClinVar's aggregate classification.

Dr. Peter K. Rogan Lab, Western University
No classification provided (evidence only). Condition: Nonpapillary renal cell carcinoma. Review status: no classification provided. Collection method: in vitro. Allele origin: not applicable. Functional consequence: retained intron. Not counted in ClinVar's aggregate classification.

Dr. Peter K. Rogan Lab, Western University
No classification provided (evidence only). Condition: Thymoma. Review status: no classification provided. Collection method: in vitro. Allele origin: not applicable. Functional consequence: retained intron. Not counted in ClinVar's aggregate classification.

Dr. Peter K. Rogan Lab, Western University
No classification provided (evidence only). Condition: Ovarian serous cystadenocarcinoma. Review status: no classification provided. Collection method: in vitro. Allele origin: not applicable. Functional consequence: retained intron. Not counted in ClinVar's aggregate classification.

Dr. Peter K. Rogan Lab, Western University
No classification provided (evidence only). Condition: Gastric cancer. Review status: no classification provided. Collection method: in vitro. Allele origin: not applicable. Functional consequence: retained intron. Not counted in ClinVar's aggregate classification.

Dr. Peter K. Rogan Lab, Western University
No classification provided (evidence only). Condition: Gastric cancer. Review status: no classification provided. Collection method: in vitro. Allele origin: not applicable. Functional consequence: retained intron. Not counted in ClinVar's aggregate classification.

Dr. Peter K. Rogan Lab, Western University
No classification provided (evidence only). Condition: Gastric cancer. Review status: no classification provided. Collection method: in vitro. Allele origin: not applicable. Functional consequence: retained intron. Not counted in ClinVar's aggregate classification.

Dr. Peter K. Rogan Lab, Western University
No classification provided (evidence only). Condition: Gastric cancer. Review status: no classification provided. Collection method: in vitro. Allele origin: not applicable. Functional consequence: retained intron. Not counted in ClinVar's aggregate classification.

Dr. Peter K. Rogan Lab, Western University
No classification provided (evidence only). Condition: Gastric cancer. Review status: no classification provided. Collection method: in vitro. Allele origin: not applicable. Functional consequence: retained intron. Not counted in ClinVar's aggregate classification.

Dr. Peter K. Rogan Lab, Western University
No classification provided (evidence only). Condition: Uterine carcinosarcoma. Review status: no classification provided. Collection method: in vitro. Allele origin: not applicable. Functional consequence: retained intron. Not counted in ClinVar's aggregate classification.

Dr. Peter K. Rogan Lab, Western University
No classification provided (evidence only). Condition: Malignant tumor of esophagus. Review status: no classification provided. Collection method: in vitro. Allele origin: not applicable. Functional consequence: skipped exon, retained intron. Not counted in ClinVar's aggregate classification.

Dr. Peter K. Rogan Lab, Western University
No classification provided (evidence only). Condition: Malignant tumor of esophagus. Review status: no classification provided. Collection method: in vitro. Allele origin: not applicable. Functional consequence: skipped exon, retained intron. Not counted in ClinVar's aggregate classification.

NM_002634.4(PHB1):c.128G>T (p.Arg43Leu)

Gene: PHB1 (prohibitin 1; minus strand). Cytogenetic location: 17q21.33.
Variant type: single nucleotide variant.
Coding change: c.128G>T on transcript NM_002634.4 (MANE Select); coding-DNA position 128, G replaced by T.
Protein change: p.Arg43Leu; replaces arginine 43 with leucine.
Molecular consequence: missense variant.
Genome position (GRCh38, 1-based): chr17:49,411,800, C>A on the plus strand (G>T on the coding strand, the complement: PHB1 is on the minus strand). VCF-style: chr17-49411800-C-A. GRCh37 (hg19) VCF-style: chr17-47489162-C-A.
Other names: NC_000017.10:g.47489162C>A; c.128G>T, p.Arg43Leu (NM_001281496.2, NM_001281497.2, NM_001281715.2); short protein forms R43L.
Identifiers: ClinVar variation 3770639 (VCV003770639.14).
Genomic context (GRCh38, chr17:49,411,800, plus strand): 5'-TTCTGTACCCACGGGATGAGAAAATGAGTCCCTTCCCCTACCACAATGTCCTGCACTCCA[C>A]GGAATCGGTCAAAGATGACAGCTCTGTGCCCAGCATCCACTAGGAAGAAAGGACAATGAC-3'
Protein context (NP_002625.1, residues 33-53): GHRAVIFDRF[Arg43Leu]GVQDIVVGEG